The following is an entry in ClinVar:

NM_002838.5(PTPRC):c.2626G>A (p.Glu876Lys)

Gene: PTPRC (protein tyrosine phosphatase receptor type C; plus strand). Cytogenetic location: 1q32.1.
Variant type: single nucleotide variant.
Coding change: c.2626G>A on transcript NM_002838.5 (MANE Select); coding-DNA position 2626, G replaced by A.
Protein change: p.Glu876Lys; replaces glutamic acid 876 with lysine.
Molecular consequence: missense variant.
Genome position (GRCh38, 1-based): chr1:198,742,296, G>A. VCF-style: chr1-198742296-G-A. GRCh37 (hg19) VCF-style: chr1-198711425-G-A.
Other names: c.2143G>A, p.Glu715Lys (NM_080921.4); short protein forms E876K, E715K.
Identifiers: ClinVar variation 452031 (VCV000452031.2), dbSNP rs768760266, ClinGen allele CA1315194.

ClinVar aggregate classification (germline): Uncertain significance (1 of 4 stars; one submission).

Allele frequency attached by ClinVar (database versions not stated): TOPMed below 0.00001; gnomAD 0.00001; gnomAD exomes 0.00001 and 0.00002; ExAC 0.00003.
gnomAD v4.1: 16 of 1,612,228 alleles (0.00099%); highest among the groups gnomAD compares: Admixed American, 0.0017%; no homozygotes.

Submission:

GeneDx
Classification: Uncertain significance. Last evaluated: 2017-09-12. Review status: criteria provided, single submitter. Criteria: GeneDx Variant Classification (06012015). Collection method: clinical testing. Allele origin: germline. Affected: yes.
Comment: The E874K variant in the PTPRC gene has not been reported previously as a pathogenic variant, nor as a benign variant, to our knowledge. This variant is not observed at a significant frequency in large population cohorts (Lek et al., 2016; 1000 Genomes Consortium et al., 2015; Exome Variant Server). The E874K variant is a non-conservative amino acid substitution, which is likely to impact secondary protein structure as these residues differ in polarity, charge, size and/or other properties. This substitution occurs at a position that is conserved across species. In silico analysis predicts this variant is probably damaging to the protein structure/function. We interpret E874K as a variant of uncertain significance.